The following is an entry in ClinVar:

NM_000373.4(UMPS):c.*4430C>T

Gene: UMPS (uridine monophosphate synthetase; plus strand). Cytogenetic location: 3q21.2.
Variant type: single nucleotide variant.
Coding change: c.*4430C>T on transcript NM_000373.4 (MANE Select); 4430 bases downstream of the stop codon, C replaced by T.
Molecular consequence: 3 prime UTR variant. On other transcripts: non-coding transcript variant (2).
Genome position (GRCh38, 1-based): chr3:124,748,514, C>T. VCF-style: chr3-124748514-C-T. GRCh37 (hg19) VCF-style: chr3-124467361-C-T.
Identifiers: ClinVar variation 343030 (VCV000343030.6), dbSNP rs591963, ClinGen allele CA2582163.

ClinVar aggregate classification (germline): Benign. Review status: criteria provided, multiple submitters, no conflicts (2 of 4 stars). 2 submissions from 2 submitters: Benign (2). Last evaluated 2018-01-13.

Conditions:
Oroticaciduria. Also called: Orotic aciduria. Identifiers: Orphanet 30, MedGen C0268128, HP:0003218.

Allele frequency attached by ClinVar (database versions not stated): gnomAD exomes 0.02117 and 0.02511; TOPMed 0.07765; ExAC 0.01756; gnomAD 0.06893 and 0.07331; 1000 Genomes Project 0.07288; 1000 Genomes Project 30x 0.07745.
gnomAD v4.1: 17,004 of 454,036 alleles (3.7%); highest among the groups gnomAD compares: African/African-American, 20%; 1,111 homozygotes.

Submissions (2):

Illumina Laboratory Services, Illumina
Classification: Benign for Hereditary orotic aciduria. Last evaluated: 2018-01-13. Review status: criteria provided, single submitter. Criteria: ICSL Variant Classification Criteria 13 December 2019. Collection method: clinical testing. Allele origin: germline.
Comment: This variant was observed in the ICSL laboratory as part of a predisposition screen in an ostensibly healthy population. It had not been previously curated by ICSL or reported in the Human Gene Mutation Database (HGMD: prior to June 1st, 2018), and was therefore a candidate for classification through an automated scoring system. Utilizing variant allele frequency, disease prevalence and penetrance estimates, and inheritance mode, an automated score was calculated to assess if this variant is too frequent to cause the disease. Based on the score and internal cut-off values, a variant classified as benign is not then subjected to further curation. The score for this variant resulted in a classification of benign for this disease.

Breakthrough Genomics
Classification: Benign. Review status: criteria provided, single submitter. Criteria: ACMG Guidelines, 2015. Collection method: not provided. Allele origin: germline. Inheritance: Autosomal recessive inheritance. Affected: yes.